The following is an entry in ClinVar:

ClinVar aggregate classification (germline): Uncertain significance (1 of 4 stars; one submission).

Conditions:
Hyperaldosteronism, familial, type IV (HALD4). Also called: FH IV; ALDOSTERONISM, PRIMARY, AND HYPERTENSION. Identifiers: Orphanet 642671, MedGen C4310756, MONDO:0014875, OMIM 617027.
Idiopathic generalized epilepsy. Also called: EIG; Generalised epilepsy. Identifiers: MedGen C0270850, MONDO:0005579, OMIM 600669.

Submission:

Labcorp Genetics (formerly Invitae), Labcorp
Classification: Uncertain significance for Idiopathic generalized epilepsy; Hyperaldosteronism, familial, type IV. Last evaluated: 2021-07-11. Review status: criteria provided, single submitter. Criteria: Invitae Variant Classification Sherloc (09022015). Collection method: clinical testing. Allele origin: germline.
Comment: This sequence change replaces leucine with valine at codon 960 of the CACNA1H protein (p.Leu960Val). The leucine residue is highly conserved and there is a small physicochemical difference between leucine and valine. This variant is not present in population databases (ExAC no frequency). This variant has not been reported in the literature in individuals affected with CACNA1H-related conditions. Advanced modeling of protein sequence and biophysical properties (such as structural, functional, and spatial information, amino acid conservation, physicochemical variation, residue mobility, and thermodynamic stability) performed at Invitae indicates that this missense variant is not expected to disrupt CACNA1H protein function. In summary, the available evidence is currently insufficient to determine the role of this variant in disease. Therefore, it has been classified as a Variant of Uncertain Significance.

NM_021098.3(CACNA1H):c.2878C>G (p.Leu960Val)

Gene: CACNA1H (calcium voltage-gated channel subunit alpha1 H; plus strand). Cytogenetic location: 16p13.3.
Variant type: single nucleotide variant.
Coding change: c.2878C>G on transcript NM_021098.3 (MANE Select); coding-DNA position 2878, C replaced by G.
Protein change: p.Leu960Val; replaces leucine 960 with valine.
Molecular consequence: missense variant.
Genome position (GRCh38, 1-based): chr16:1,207,089, C>G. VCF-style: chr16-1207089-C-G. GRCh37 (hg19) VCF-style: chr16-1257089-C-G.
Other names: c.2878C>G, p.Leu960Val (NM_001005407.2); short protein forms L960V.
Identifiers: ClinVar variation 1415764 (VCV001415764.8), dbSNP rs1299774056, ClinGen allele CA394170152.